The following is an entry in ClinVar:

NM_004370.6(COL12A1):c.7615G>A (p.Gly2539Arg)

Gene: COL12A1 (collagen type XII alpha 1 chain; minus strand). Cytogenetic location: 6q13.
Variant type: single nucleotide variant.
Coding change: c.7615G>A on transcript NM_004370.6 (MANE Select); coding-DNA position 7615, G replaced by A.
Protein change: p.Gly2539Arg; replaces glycine 2539 with arginine.
Molecular consequence: missense variant.
Genome position (GRCh38, 1-based): chr6:75,115,866, C>T on the plus strand (G>A on the coding strand, the complement: COL12A1 is on the minus strand). VCF-style: chr6-75115866-C-T. GRCh37 (hg19) VCF-style: chr6-75825582-C-T.
Other names: c.4123G>A, p.Gly1375Arg (NM_080645.3); short protein forms G1375R, G2539R.
Identifiers: ClinVar variation 1932981 (VCV001932981.5), dbSNP rs2533181220, ClinGen allele CA364745250.

ClinVar aggregate classification (germline): Uncertain significance (1 of 4 stars; one submission).

Conditions:
Ullrich congenital muscular dystrophy 2 (UCMD2). Identifiers: Orphanet 75840, MedGen C4225314, MONDO:0014654, OMIM 616470.
Bethlem myopathy 2 (BTHLM2). Identifiers: Orphanet 536516, Orphanet 610, MedGen C4225313, MONDO:0034022, OMIM 616471.

gnomAD v4.1: 1 of 1,613,630 alleles (0.000062%); highest among the groups gnomAD compares: Non-Finnish European, 0.000085%; no homozygotes.

Submission:

Labcorp Genetics (formerly Invitae), Labcorp
Classification: Uncertain significance for Bethlem myopathy 2; Ullrich congenital muscular dystrophy 2. Last evaluated: 2022-09-10. Review status: criteria provided, single submitter. Criteria: Invitae Variant Classification Sherloc (09022015). Collection method: clinical testing. Allele origin: germline.
Comment: In summary, the available evidence is currently insufficient to determine the role of this variant in disease. Therefore, it has been classified as a Variant of Uncertain Significance. Algorithms developed to predict the effect of missense changes on protein structure and function (SIFT, PolyPhen-2, Align-GVGD) all suggest that this variant is likely to be disruptive. This variant has not been reported in the literature in individuals affected with COL12A1-related conditions. This variant is not present in population databases (gnomAD no frequency). This sequence change replaces glycine, which is neutral and non-polar, with arginine, which is basic and polar, at codon 2539 of the COL12A1 protein (p.Gly2539Arg).